The following is an entry in ClinVar:

ClinVar aggregate classification (germline): Conflicting classifications of pathogenicity. Review status: criteria provided, conflicting classifications (1 of 4 stars). 4 submissions from 4 submitters: Uncertain significance (1); Benign (2); Likely benign (1). Last evaluated 2026-01-24.

Conditions:
Hepatoencephalopathy due to combined oxidative phosphorylation defect type 1. Also called: HEPATOENCEPHALOPATHY, EARLY FATAL PROGRESSIVE. Identifiers: Orphanet 137681, MedGen C1836797, MONDO:0012191, OMIM 609060.

Allele frequency attached by ClinVar (database versions not stated): gnomAD 0.00049 and 0.00053; TOPMed 0.00055; ExAC 0.00079; gnomAD exomes 0.00102 and 0.00046; ESP Exome Variant Server 0.00023.
gnomAD v4.1: 798 of 1,614,104 alleles (0.049%); highest among the groups gnomAD compares: Middle Eastern, 0.016%; 10 homozygotes.

Submissions (4):

Labcorp Genetics (formerly Invitae), Labcorp
Classification: Benign. Last evaluated: 2026-01-24. Review status: criteria provided, single submitter. Criteria: Invitae Variant Classification Sherloc (09022015). Collection method: clinical testing. Allele origin: germline.

Blueprint Genetics
Classification: Likely benign. Last evaluated: 2024-11-08. Review status: criteria provided, single submitter. Criteria: ACMG Guidelines, 2015. Collection method: clinical testing. Allele origin: germline.

Illumina Laboratory Services, Illumina
Classification: Uncertain significance for Hepatoencephalopathy due to combined oxidative phosphorylation defect type 1. Last evaluated: 2018-01-13. Review status: criteria provided, single submitter. Criteria: ICSL Variant Classification Criteria 13 December 2019. Collection method: clinical testing. Allele origin: germline.

GeneDx
Classification: Benign. Last evaluated: 2014-10-07. Review status: criteria provided, single submitter. Criteria: GeneDx Variant Classification (06012015). Collection method: clinical testing. Allele origin: germline. Affected: yes.
Comment: This variant is considered likely benign or benign based on one or more of the following criteria: it is a conservative change, it occurs at a poorly conserved position in the protein, it is predicted to be benign by multiple in silico algorithms, and/or has population frequency not consistent with disease.

NM_024996.7(GFM1):c.235-14G>A

Gene: GFM1 (G elongation factor mitochondrial 1; plus strand). Cytogenetic location: 3q25.32.
Variant type: single nucleotide variant.
Coding change: c.235-14G>A on transcript NM_024996.7 (MANE Select); 14 bases into the intron before coding-DNA position 235, G replaced by A.
Molecular consequence: intron variant.
Genome position (GRCh38, 1-based): chr3:158,646,151, G>A. VCF-style: chr3-158646151-G-A. GRCh37 (hg19) VCF-style: chr3-158363940-G-A.
Other names: c.235-14G>A (NM_001308164.2, NM_001374355.1, NM_001374356.1 and 1 more transcripts); c.10-14G>A (NM_001374357.1); c.5+370G>A (NM_001374359.1, NM_001374360.1, NM_001374361.1); c.234+370G>A (NM_001374358.1).
Identifiers: ClinVar variation 214478 (VCV000214478.13), dbSNP rs201304690, ClinGen allele CA322880.